The following is an entry in ClinVar:

NM_016216.4(DBR1):c.1046A>G (p.Asp349Gly)

Gene: DBR1 (debranching RNA lariats 1; minus strand). Cytogenetic location: 3q22.3.
Variant type: single nucleotide variant.
Coding change: c.1046A>G on transcript NM_016216.4 (MANE Select); coding-DNA position 1046, A replaced by G.
Protein change: p.Asp349Gly; replaces aspartic acid 349 with glycine.
Molecular consequence: missense variant.
Genome position (GRCh38, 1-based): chr3:138,162,478, T>C on the plus strand (A>G on the coding strand, the complement: DBR1 is on the minus strand). VCF-style: chr3-138162478-T-C. GRCh37 (hg19) VCF-style: chr3-137881320-T-C.
Other names: short protein forms D349G.
Identifiers: ClinVar variation 2062735 (VCV002062735.2), dbSNP rs146690949, ClinGen allele CA2635724.

ClinVar aggregate classification (germline): Uncertain significance (1 of 4 stars; one submission).

Allele frequency attached by ClinVar (database versions not stated): gnomAD 0.00042; TOPMed 0.00051; ESP Exome Variant Server 0.00077; gnomAD exomes 0.00089.
gnomAD v4.1: 1,416 of 1,614,046 alleles (0.088%); highest among the groups gnomAD compares: Non-Finnish European, 0.11%; 1 homozygote.

Submission:

Labcorp Genetics (formerly Invitae), Labcorp
Classification: Uncertain significance. Last evaluated: 2025-01-27. Review status: criteria provided, single submitter. Criteria: Invitae Variant Classification Sherloc (09022015). Collection method: clinical testing. Allele origin: germline.
Comment: This sequence change replaces aspartic acid, which is acidic and polar, with glycine, which is neutral and non-polar, at codon 349 of the DBR1 protein (p.Asp349Gly). This variant is present in population databases (rs146690949, gnomAD 0.08%), including at least one homozygous and/or hemizygous individual. This variant has not been reported in the literature in individuals affected with DBR1-related conditions. ClinVar contains an entry for this variant (Variation ID: 2062735). An algorithm developed to predict the effect of missense changes on protein structure and function (PolyPhen-2) suggests that this variant is likely to be disruptive. In summary, the available evidence is currently insufficient to determine the role of this variant in disease. Therefore, it has been classified as a Variant of Uncertain Significance.